The following is an entry in ClinVar:

ClinVar aggregate classification (germline): Uncertain significance (1 of 4 stars; one submission).

Conditions:
Oxoglutaricaciduria. Identifiers: Orphanet 31, MedGen C2752074, MONDO:0008759, OMIM 203740.

Allele frequency attached by ClinVar (database versions not stated): gnomAD 0.00001; gnomAD exomes 0.00001; TOPMed 0.00002; ExAC 0.00006.
gnomAD v4.1: 19 of 1,605,524 alleles (0.0012%); highest among the groups gnomAD compares: South Asian, 0.0078%; no homozygotes.

Submission:

Labcorp Genetics (formerly Invitae), Labcorp
Classification: Uncertain significance for Oxoglutaricaciduria. Last evaluated: 2024-12-02. Review status: criteria provided, single submitter. Criteria: Invitae Variant Classification Sherloc (09022015). Collection method: clinical testing. Allele origin: germline.
Comment: This sequence change falls in intron 14 of the OGDH gene. It does not directly change the encoded amino acid sequence of the OGDH protein. It affects a nucleotide within the consensus splice site. This variant is present in population databases (rs764105957, gnomAD 0.007%). This variant has not been reported in the literature in individuals affected with OGDH-related conditions. ClinVar contains an entry for this variant (Variation ID: 2178154). Variants that disrupt the consensus splice site are a relatively common cause of aberrant splicing (PMID: 17576681, 9536098). Algorithms developed to predict the effect of sequence changes on RNA splicing suggest that this variant is not likely to affect RNA splicing. In summary, the available evidence is currently insufficient to determine the role of this variant in disease. Therefore, it has been classified as a Variant of Uncertain Significance.

Literature cited by the submitters: PubMed 17576681; PubMed 9536098.

NM_002541.4(OGDH):c.1901-3C>T

Gene: OGDH (oxoglutarate dehydrogenase; plus strand). Cytogenetic location: 7p13.
Variant type: single nucleotide variant.
Coding change: c.1901-3C>T on transcript NM_002541.4 (MANE Select); 3 bases into the intron before coding-DNA position 1901, C replaced by T.
Molecular consequence: intron variant.
Genome position (GRCh38, 1-based): chr7:44,696,911, C>T. VCF-style: chr7-44696911-C-T. GRCh37 (hg19) VCF-style: chr7-44736510-C-T.
Other names: c.1934-3C>T (NM_001363523.2); c.1889-3C>T (NM_001165036.2).
Identifiers: ClinVar variation 2178154 (VCV002178154.4), dbSNP rs764105957, ClinGen allele CA4243975.